The following is an entry in ClinVar:

NM_001282534.2(KCNK9):c.403_405del (p.Phe135del)

Gene: KCNK9 (potassium two pore domain channel subfamily K member 9; minus strand). Cytogenetic location: 8q24.3.
Variant type: Deletion.
Coding change: c.403_405del on transcript NM_001282534.2 (MANE Select); coding-DNA positions 403 to 405, 3 bases deleted (TTC; older notation c.403_405delTTC).
Protein change: p.Phe135del; deletes phenylalanine 135.
Molecular consequence: inframe deletion. On other transcripts: non-coding transcript variant (1).
Genome position (GRCh38, 1-based): chr8:139,618,978-139,618,980, GAA deleted on the plus strand (TTC on the coding strand, the reverse complement: KCNK9 is on the minus strand); deleting any 3 consecutive bases within chr8:139,618,978-139,618,981 gives the same sequence; the c. name uses the placement nearest the transcript's 3' end. VCF-style (leftmost placement, unchanged base first): chr8-139618977-CGAA-C. GRCh37 (hg19) VCF-style: chr8-140631220-CGAA-C.
Other names: short protein forms F135del.
Identifiers: ClinVar variation 1303450 (VCV001303450.2), dbSNP rs2130105675, ClinGen allele CA2573052976.

ClinVar aggregate classification (germline): Uncertain significance (1 of 4 stars; one submission).

Submission:

GeneDx
Classification: Uncertain significance. Last evaluated: 2019-09-12. Review status: criteria provided, single submitter. Criteria: GeneDx Variant Classification Process June 2021. Collection method: clinical testing. Allele origin: germline. Affected: yes.
Comment: Not observed in large population cohorts (Lek et al., 2016); In-frame deletion of 1 amino acid in a non-repeat region; In silico analysis, which includes protein predictors and evolutionary conservation, supports a deleterious effect; Has not been previously published as pathogenic or benign to our knowledge